The following is an entry in ClinVar:

ClinVar aggregate classification (germline): Uncertain significance (1 of 4 stars; one submission).

Submission:

ISCA site 4
Classification: Uncertain significance. Last evaluated: 2011-08-12. Review status: criteria provided, single submitter. Criteria: Kaminsky et al. (Genet Med. 2011). Collection method: clinical testing. Allele origin: unknown. Affected: yes. Observed: 1 variant allele.
Comment: Copy number variation identified through the course of routine clinical cytogenomic testing in postnatal populations. Clinical assertions have been curated as described in Kaminsky et al. 2011.

GRCh38/hg38 2p16.3(chr2:47832570-48405178)x1

Genes: FBXO11 (F-box protein 11; minus strand), FOXN2 (forkhead box N2; plus strand), LOC100506235 (uncharacterized LOC100506235; plus strand), LOC112840943 (Sharpr-MPRA regulatory region 12235; plus strand), LOC122757939 (Sharpr-MPRA regulatory region 9679; plus strand) and 11 more. Cytogenetic location: 2p16.3.
Variant type: copy number loss.
Change: copy number 1 (one copy instead of two) of chr2:47,832,570-48,405,178 (572.6 kb, GRCh38 coordinates, 1-based), cytogenetic band 2p16.3.
Identifiers: ClinVar variation 58367 (VCV000058367.1).